The following is an entry in ClinVar:

NM_000548.5(TSC2):c.4120C>G (p.Leu1374Val)

Gene: TSC2 (TSC complex subunit 2; plus strand). Cytogenetic location: 16p13.3.
Variant type: single nucleotide variant.
Coding change: c.4120C>G on transcript NM_000548.5 (MANE Select); coding-DNA position 4120, C replaced by G.
Protein change: p.Leu1374Val; replaces leucine 1374 with valine.
Molecular consequence: missense variant. On other transcripts: non-coding transcript variant (5).
Genome position (GRCh38, 1-based): chr16:2,084,342, C>G. VCF-style: chr16-2084342-C-G. GRCh37 (hg19) VCF-style: chr16-2134343-C-G.
Other names: c.3919C>G, p.Leu1307Val (NM_001077183.3); c.4051C>G, p.Leu1351Val (NM_001114382.3); c.3811C>G, p.Leu1271Val (NM_001318827.2); c.3775C>G, p.Leu1259Val (NM_001318829.2); c.3388C>G, p.Leu1130Val (NM_001318831.2); c.3952C>G, p.Leu1318Val (NM_001318832.2); c.3922C>G, p.Leu1308Val (NM_001363528.2); c.3988C>G, p.Leu1330Val (NM_001370404.1); and 26 more; short protein forms L1107V, L1108V, L1130V, L1150V, L1151V, L1154V, L1174V, L1258V.
Identifiers: ClinVar variation 3232160 (VCV003232160.1), dbSNP rs2544261169, ClinGen allele CA394299552.

ClinVar aggregate classification (germline): Uncertain significance (1 of 4 stars; one submission).

Conditions:
Hereditary cancer-predisposing syndrome. Also called: Neoplastic Syndromes, Hereditary; Tumor predisposition; Hereditary neoplastic syndrome; Hereditary Cancer Syndrome. Identifiers: Orphanet 140162, MedGen C0027672, MeSH D009386, MONDO:0015356.

Submission:

Ambry Genetics
Classification: Uncertain significance for Hereditary cancer-predisposing syndrome. Last evaluated: 2023-12-22. Review status: criteria provided, single submitter. Criteria: Ambry Variant Classification Scheme 2023. Collection method: clinical testing. Allele origin: germline.
Comment: The p.L1374V variant (also known as c.4120C>G), located in coding exon 33 of the TSC2 gene, results from a C to G substitution at nucleotide position 4120. The leucine at codon 1374 is replaced by valine, an amino acid with highly similar properties. This amino acid position is conserved. In addition, the in silico prediction for this alteration is inconclusive. Since supporting evidence is limited at this time, the clinical significance of this alteration remains unclear.